The following is an entry in ClinVar:

NM_024675.4(PALB2):c.1177A>C (p.Lys393Gln)

Gene: PALB2 (partner and localizer of BRCA2; minus strand). Cytogenetic location: 16p12.2.
Variant type: single nucleotide variant.
Coding change: c.1177A>C on transcript NM_024675.4 (MANE Select); coding-DNA position 1177, A replaced by C.
Protein change: p.Lys393Gln; replaces lysine 393 with glutamine.
Molecular consequence: missense variant.
Genome position (GRCh38, 1-based): chr16:23,635,369, T>G on the plus strand (A>C on the coding strand, the complement: PALB2 is on the minus strand). VCF-style: chr16-23635369-T-G. GRCh37 (hg19) VCF-style: chr16-23646690-T-G.
Other names: short protein forms K393Q.
Identifiers: ClinVar variation 1364989 (VCV001364989.10), dbSNP rs866787789, ClinGen allele CA279498742.
Genomic context (GRCh38, chr16:23,635,369, plus strand): 5'-TTGTTCTAACATAATATTCTGCAGGAAACAGAAGGCCTTCAGGCACTGTGCAAGAATGTT[T>G]TTCTGCAGAAAGAGGAGAGGTTGCTTCCAGGCTAAGACTCTTAGGTTGACTTAGAATCTC-3'
Protein context (NP_078951.2, residues 383-403): LEATSPLSAE[Lys393Gln]HSCTVPEGLL

ClinVar aggregate classification (germline): Uncertain significance. Review status: criteria provided, multiple submitters, no conflicts (2 of 4 stars). 2 submissions from 2 submitters: Uncertain significance (2). Last evaluated 2022-10-18.

Conditions:
Familial cancer of breast. Also called: BREAST CANCER, FAMILIAL; Hereditary breast cancer; hereditary breast carcinoma. Identifiers: Orphanet 227535, MedGen C0346153, MONDO:0016419, OMIM 114480. Disease mechanism: loss of function.

Allele frequency attached by ClinVar (database versions not stated): gnomAD exomes below 0.00001.
gnomAD v4.1: 1 of 1,614,026 alleles (0.000062%); highest among the groups gnomAD compares: Middle Eastern, 0.016%; no homozygotes.

Submissions (2):

Labcorp Genetics (formerly Invitae), Labcorp
Classification: Uncertain significance for Familial cancer of breast. Last evaluated: 2022-10-18. Review status: criteria provided, single submitter. Criteria: Invitae Variant Classification Sherloc (09022015). Collection method: clinical testing. Allele origin: germline.
Comment: Advanced modeling of protein sequence and biophysical properties (such as structural, functional, and spatial information, amino acid conservation, physicochemical variation, residue mobility, and thermodynamic stability) performed at Invitae indicates that this missense variant is not expected to disrupt PALB2 protein function. In summary, the available evidence is currently insufficient to determine the role of this variant in disease. Therefore, it has been classified as a Variant of Uncertain Significance. ClinVar contains an entry for this variant (Variation ID: 1364989). This variant has not been reported in the literature in individuals affected with PALB2-related conditions. This variant is not present in population databases (gnomAD no frequency). This sequence change replaces lysine, which is basic and polar, with glutamine, which is neutral and polar, at codon 393 of the PALB2 protein (p.Lys393Gln).

GeneDx
Classification: Uncertain significance. Last evaluated: 2022-04-26. Review status: criteria provided, single submitter. Criteria: GeneDx Variant Classification Process June 2021. Collection method: clinical testing. Allele origin: germline. Affected: yes.
Comment: Not observed at significant frequency in large population cohorts (gnomAD); In silico analysis supports that this missense variant does not alter protein structure/function; Has not been previously published as pathogenic or benign to our knowledge